The following is an entry in ClinVar:

ClinVar aggregate classification (germline): Uncertain significance (1 of 4 stars; one submission).

Submission:

Women's Health and Genetics/Laboratory Corporation of America, LabCorp
Classification: Uncertain significance. Last evaluated: 2025-06-23. Review status: criteria provided, single submitter. Criteria: LabCorp Variant Classification Summary - May 2015. Collection method: clinical testing. Allele origin: germline.
Comment: Variant summary: MYH9 c.921C>A (p.His307Gln) results in a non-conservative amino acid change in the encoded protein sequence. Algorithms developed to predict the effect of missense changes on protein structure and function are either unavailable or do not agree on the potential impact of this missense change. The variant allele was found at a frequency of 1.2e-05 in 251466 control chromosomes. The available data on variant occurrences in the general population are insufficient to allow any conclusion about variant significance. To our knowledge, no occurrence of c.921C>A in individuals affected with Macrothrombocytopenia And Granulocyte Inclusions With Or Without Nephritis Or Sensorineural Hearing Loss and no experimental evidence demonstrating its impact on protein function have been reported. No submitters have cited clinical-significance assessments for this variant to ClinVar. Based on the evidence outlined above, the variant was classified as uncertain significance.

NM_002473.6(MYH9):c.921C>A (p.His307Gln)

Gene: MYH9 (myosin heavy chain 9; minus strand). Cytogenetic location: 22q12.3.
Variant type: single nucleotide variant.
Coding change: c.921C>A on transcript NM_002473.6 (MANE Select); coding-DNA position 921, C replaced by A.
Protein change: p.His307Gln; replaces histidine 307 with glutamine.
Molecular consequence: missense variant.
Genome position (GRCh38, 1-based): chr22:36,320,311, G>T on the plus strand (C>A on the coding strand, the complement: MYH9 is on the minus strand). VCF-style: chr22-36320311-G-T. GRCh37 (hg19) VCF-style: chr22-36716356-G-T.
Other names: short protein forms H307Q.
Identifiers: ClinVar variation 3907577 (VCV003907577.1).